The following is an entry in ClinVar:

ClinVar aggregate classification (germline): Uncertain significance. Review status: criteria provided, multiple submitters, no conflicts (2 of 4 stars). 3 submissions from 3 submitters: Uncertain significance (3). Last evaluated 2021-02-12.

Conditions:
Intellectual developmental disorder, autosomal recessive 3. Also called: Intellectual disability, autosomal recessive 3. Identifiers: Orphanet 88616, MedGen C1838023, MONDO:0012037, OMIM 608443.

Allele frequency attached by ClinVar (database versions not stated): gnomAD 0.00005 and 0.00004; 1000 Genomes Project 30x 0.00016; TOPMed 0.00004.
gnomAD v4.1: 80 of 1,614,172 alleles (0.005%); highest among the groups gnomAD compares: South Asian, 0.053%; no homozygotes.

Submissions (3):

Women's Health and Genetics/Laboratory Corporation of America, LabCorp
Classification: Uncertain significance. Last evaluated: 2021-02-12. Review status: criteria provided, single submitter. Criteria: LabCorp Variant Classification Summary - May 2015. Collection method: clinical testing. Allele origin: germline.
Comment: Variant summary: CC2D1A c.542G>A (p.Arg181His) results in a non-conservative amino acid change located in the Domain of unknown function DM14 (IPR006608) of the encoded protein sequence. Three of five in-silico tools predict a damaging effect of the variant on protein function. The variant allele was found at a frequency of 6.4e-05 in 249030 control chromosomes (gnomAD). To our knowledge, no occurrence of c.542G>A in individuals affected with Intellectual Disability 3 and no experimental evidence demonstrating its impact on protein function have been reported. No clinical diagnostic laboratories have submitted clinical-significance assessments for this variant to ClinVar after 2014. Based on the evidence outlined above, the variant was classified as uncertain significance.

Revvity Omics, Revvity
Classification: Uncertain significance for Intellectual developmental disorder, autosomal recessive 3. Last evaluated: 2019-09-04. Review status: criteria provided, single submitter. Criteria: ACMG Guidelines, 2015. Collection method: clinical testing. Allele origin: germline.

Neuberg Centre For Genomic Medicine, NCGM
Classification: Uncertain significance for Intellectual developmental disorder, autosomal recessive 3. Review status: criteria provided, single submitter. Criteria: ACMG Guidelines, 2015. Collection method: clinical testing. Allele origin: germline. Inheritance: Autosomal recessive inheritance. Affected: yes.
Comment: The missense variant c.542G>A (p.Arg181His) in CC2D1A gene has not been reported previously as a pathogenic variant nor as a benign variant, to our knowledge. The p.Asn541Asp variant has allele frequency 0.006% in gnomAD exomes and novel in 1000 Genomes. This variant has been reported to the ClinVar database as Uncertain Significance. The amino acid Arg at position 181 is changed to a His changing protein sequence and it might alter its composition and physico-chemical properties. Three of five in-silico tools predict a damaging effect of the variant on protein function. For these reasons, this variant has been classified as Uncertain Significance (VUS).

NM_017721.5(CC2D1A):c.542G>A (p.Arg181His)

Gene: CC2D1A (coiled-coil and C2 domain containing 1A; plus strand). Cytogenetic location: 19p13.12.
Variant type: single nucleotide variant.
Coding change: c.542G>A on transcript NM_017721.5 (MANE Select); coding-DNA position 542, G replaced by A.
Protein change: p.Arg181His; replaces arginine 181 with histidine.
Molecular consequence: missense variant.
Genome position (GRCh38, 1-based): chr19:13,913,432, G>A. VCF-style: chr19-13913432-G-A. GRCh37 (hg19) VCF-style: chr19-14024245-G-A.
Other names: short protein forms R181H.
Identifiers: ClinVar variation 997917 (VCV000997917.5), dbSNP rs542798158, ClinGen allele CA9244338.
Genomic context (GRCh38, chr19:13,913,432, plus strand): 5'-TCTCCCAAACCAATACTCACGCCTTATCTTAGACACTGGAAAACCTGCTCGCCTCCATCC[G>A]TAAGGGCAATGCCATTGACGAAGCGGACATCCCGCCGCCAGTGGCCATAGGAAAAGGCCC-3'
Protein context (NP_060191.3, residues 171-191): KTLENLLASI[Arg181His]KGNAIDEADI